The following is an entry in ClinVar:

ClinVar aggregate classification (germline): Uncertain significance. Review status: criteria provided, multiple submitters, no conflicts (2 of 4 stars). 2 submissions from 2 submitters: Uncertain significance (2). Last evaluated 2026-09-08.

Conditions:
TTN-related disorder. Also called: TTN-related condition; TTN-related disease; TTN-related disorders.
Cardiovascular phenotype. Identifiers: MedGen CN230736.

Allele frequency attached by ClinVar (database versions not stated): gnomAD exomes below 0.00001 and 0.00001; ExAC 0.00002; TOPMed 0.00002; gnomAD 0.00003 and 0.00004; ESP Exome Variant Server 0.00008.
gnomAD v4.1: 9 of 1,613,628 alleles (0.00056%); highest among the groups gnomAD compares: African/African-American, 0.012%; no homozygotes.

Submissions (2):

PreventionGenetics, part of Exact Sciences
Classification: Uncertain significance for TTN-related condition. Last evaluated: 2026-09-08. Review status: criteria provided, single submitter. Criteria: ACMG Guidelines, 2015. Collection method: clinical testing. Allele origin: germline.
Comment: The TTN c.96227A>G variant is predicted to result in the amino acid substitution p.Asn32076Ser. To our knowledge, this variant has not been reported in the literature. This variant is reported in 0.021% of alleles in individuals of African descent in gnomAD. At this time, the clinical significance of this variant is uncertain due to the absence of conclusive functional and genetic evidence.

Ambry Genetics
Classification: Uncertain significance for Cardiovascular phenotype. Last evaluated: 2020-03-13. Review status: criteria provided, single submitter. Criteria: Ambry Variant Classification Scheme 2023. Collection method: clinical testing. Allele origin: germline.
Comment: The p.N23011S variant (also known as c.69032A>G), located in coding exon 173 of the TTN gene, results from an A to G substitution at nucleotide position 69032. The asparagine at codon 23011 is replaced by serine, an amino acid with highly similar properties. This amino acid position is well conserved in available vertebrate species; however, serine is the reference amino acid in other vertebrate species. In addition, this alteration is predicted to be tolerated by in silico analysis. Since supporting evidence is limited at this time, the clinical significance of this alteration remains unclear.

NM_001267550.2(TTN):c.96227A>G (p.Asn32076Ser)

Genes: TTN (titin; minus strand), TTN-AS1 (TTN antisense RNA 1; plus strand), LOC126806421 (CDK7 strongly-dependent group 2 enhancer GRCh37_chr2:179407630-179408829; plus strand). Cytogenetic location: 2q31.2.
Variant type: single nucleotide variant.
Coding change: c.96227A>G on transcript NM_001267550.2 (MANE Select); coding-DNA position 96227, A replaced by G.
Protein change: p.Asn32076Ser; replaces asparagine 32076 with serine.
Molecular consequence: missense variant.
Genome position (GRCh38, 1-based): chr2:178,543,917, T>C on the plus strand (A>G on the coding strand, the complement: TTN is on the minus strand). VCF-style: chr2-178543917-T-C. GRCh37 (hg19) VCF-style: chr2-179408644-T-C.
Other names: c.91304A>G, p.Asn30435Ser (NM_001256850.1); c.69032A>G, p.Asn23011Ser (NM_003319.4); c.88523A>G, p.Asn29508Ser (NM_133378.4); c.69407A>G, p.Asn23136Ser (NM_133432.3); c.69608A>G, p.Asn23203Ser (NM_133437.4); short protein forms N23011S, N32076S, N29508S, N30435S, N23136S, N23203S.
Identifiers: ClinVar variation 518935 (VCV000518935.6), dbSNP rs373289373, ClinGen allele CA1986798.